The following is an entry in ClinVar:

ClinVar aggregate classification (germline): Pathogenic (1 of 4 stars; one submission).

Conditions:
Fabry disease. Also called: Fabry's disease; ALPHA-GALACTOSIDASE A DEFICIENCY; ANDERSON-FABRY DISEASE; CERAMIDE TRIHEXOSIDASE DEFICIENCY; GLA DEFICIENCY; HEREDITARY DYSTOPIC LIPIDOSIS. Identifiers: Orphanet 324, MedGen C0002986, MONDO:0010526, OMIM 301500, HP:0001071. Disease mechanism: Fabry disease is due to inactivating mutations in the X-linked GLA gene resulting in deficiency of the enzyme Alpha Galactosidase-A., loss of function.

Submission:

Genomenon, Inc
Classification: Pathogenic for Fabry disease. Last evaluated: 2026-09-08. Review status: criteria provided, single submitter. Criteria: Genomenon Sequence Variant Interpretation Standards - Updated. Collection method: curation. Allele origin: germline. Affected: yes.
Comment: GLA p.Asp93ThrfsTer28 (c.277del) is a frameshift variant that is predicted to introduce a premature termination codon and result in a truncated or absent protein product. This variant has been observed in at least one proband with clinical features consistent with Fabry disease (PMID:32418857). It is absent or not present at a significant frequency in gnomAD. In conclusion, we classify GLA p.Asp93ThrfsTer28 (c.277del) as a pathogenic variant.

Literature cited by the submitters: PubMed 32418857.

NM_000169.3(GLA):c.277del (p.Asp93fs)

Genes: GLA (galactosidase alpha; minus strand), RPL36A-HNRNPH2 (RPL36A-HNRNPH2 readthrough; plus strand). Cytogenetic location: Xq22.1.
Variant type: Deletion.
Coding change: c.277del on transcript NM_000169.3 (MANE Select); coding-DNA position 277, one base deleted (G; older notation c.277delG).
Protein change: p.Asp93fs; shifts the reading frame from aspartic acid 93.
Molecular consequence: frameshift variant. On other transcripts: non-coding transcript variant (3), intron variant (2).
Genome position (GRCh38, 1-based): chrX:101,403,903, C deleted on the plus strand (G on the coding strand, the reverse complement: GLA is on the minus strand). VCF-style (leftmost placement, unchanged base first): chrX-101403902-TC-T. GRCh37 (hg19) VCF-style: chrX-100658890-TC-T.
Other names: c.400del, p.Asp134fs (NM_001406747.1, NM_001406749.1); c.277del, p.Asp93fs (NM_001406748.1); c.301-8033del (NM_001199973.2); c.178-8033del (NM_001199974.2); short protein forms D134fs, D93fs.
Identifiers: ClinVar variation 4974876 (VCV004974876.1).